The following is an entry in ClinVar:

NM_021167.5(GATAD1):c.182G>A (p.Gly61Asp)

Genes: GATAD1 (GATA zinc finger domain containing 1; plus strand), LOC129998793 (ATAC-STARR-seq lymphoblastoid silent region 18371; plus strand). Cytogenetic location: 7q21.2.
Variant type: single nucleotide variant.
Coding change: c.182G>A on transcript NM_021167.5 (MANE Select); coding-DNA position 182, G replaced by A.
Protein change: p.Gly61Asp; replaces glycine 61 with aspartic acid.
Molecular consequence: missense variant. On other transcripts: non-coding transcript variant (1).
Genome position (GRCh38, 1-based): chr7:92,447,911, G>A. VCF-style: chr7-92447911-G-A. GRCh37 (hg19) VCF-style: chr7-92077225-G-A.
Other names: short protein forms G61D.
Identifiers: ClinVar variation 2563694 (VCV002563694.2), dbSNP rs1402866553, ClinGen allele CA368155537.

ClinVar aggregate classification (germline): Uncertain significance (1 of 4 stars; one submission).

Conditions:
Cardiovascular phenotype. Identifiers: MedGen CN230736.

Allele frequency attached by ClinVar (database versions not stated): gnomAD 0.00001; TOPMed 0.00002.

Submission:

Ambry Genetics
Classification: Uncertain significance for Cardiovascular phenotype. Last evaluated: 2023-05-22. Review status: criteria provided, single submitter. Criteria: Ambry Variant Classification Scheme 2023. Collection method: clinical testing. Allele origin: germline.
Comment: The p.G61D variant (also known as c.182G>A), located in coding exon 1 of the GATAD1 gene, results from a G to A substitution at nucleotide position 182. The glycine at codon 61 is replaced by aspartic acid, an amino acid with similar properties. This amino acid position is conserved. In addition, the in silico prediction for this alteration is inconclusive. Since supporting evidence is limited at this time, the clinical significance of this alteration remains unclear.